The following is an entry in ClinVar:

ClinVar aggregate classification (germline): Uncertain significance (1 of 4 stars; one submission).

Submission:

GeneDx
Classification: Uncertain significance. Last evaluated: 2024-08-30. Review status: criteria provided, single submitter. Criteria: GeneDx Variant Classification Process June 2021. Collection method: clinical testing. Allele origin: germline. Affected: yes.
Comment: In silico analysis supports that this missense variant has a deleterious effect on protein structure/function; Not observed at significant frequency in large population cohorts (gnomAD); This variant is associated with the following publications: (PMID: 26226225, 34523024, 38066485, 25560804)

NM_138691.3(TMC1):c.960C>A (p.Ser320Arg)

Gene: TMC1 (transmembrane channel like 1; plus strand). Cytogenetic location: 9q21.13.
Variant type: single nucleotide variant.
Coding change: c.960C>A on transcript NM_138691.3 (MANE Select); coding-DNA position 960, C replaced by A.
Protein change: p.Ser320Arg; replaces serine 320 with arginine.
Molecular consequence: missense variant.
Genome position (GRCh38, 1-based): chr9:72,788,414, C>A. VCF-style: chr9-72788414-C-A. GRCh37 (hg19) VCF-style: chr9-75403330-C-A.
Other names: short protein forms S320R.
Identifiers: ClinVar variation 3767553 (VCV003767553.1).